The following is an entry in ClinVar:

NM_033380.3(COL4A5):c.2033G>A (p.Gly678Asp)

Gene: COL4A5 (collagen type IV alpha 5 chain; plus strand). Cytogenetic location: Xq22.3.
Variant type: single nucleotide variant.
Coding change: c.2033G>A on transcript NM_033380.3 (MANE Select); coding-DNA position 2033, G replaced by A.
Protein change: p.Gly678Asp; replaces glycine 678 with aspartic acid.
Molecular consequence: missense variant.
Genome position (GRCh38, 1-based): chrX:108,601,477, G>A. VCF-style: chrX-108601477-G-A. GRCh37 (hg19) VCF-style: chrX-107844707-G-A.
Other names: c.2033G>A, p.Gly678Asp (NM_000495.5); short protein forms G678D.
Identifiers: ClinVar variation 1068352 (VCV001068352.9), dbSNP rs2147819583, ClinGen allele CA413846866.

ClinVar aggregate classification (germline): Likely pathogenic (1 of 4 stars; one submission).

Submission:

Labcorp Genetics (formerly Invitae), Labcorp
Classification: Likely pathogenic. Last evaluated: 2020-05-05. Review status: criteria provided, single submitter. Criteria: Invitae Variant Classification Sherloc (09022015). Collection method: clinical testing. Allele origin: germline.
Comment: Glycine residues within the Gly-Xaa-Yaa repeats of the triple helix domain are required for the structure and stability of fibrillar collagens (PMID: 7695699, 8218237, 19344236). In COL4A5, missense variants at these glycine residues are significantly enriched in individuals with disease (PMID: 23720012, 27627812) compared to the general population (ExAC). In summary, the currently available evidence indicates that the variant is pathogenic, but additional data are needed to prove that conclusively. Therefore, this variant has been classified as Likely Pathogenic. This variant has been observed in individual(s) with clinical features of Alport syndrome (Invitae). This variant is not present in population databases (ExAC no frequency). This sequence change replaces glycine with aspartic acid at codon 678 of the COL4A5 protein (p.Gly678Asp). The glycine residue is highly conserved and there is a moderate physicochemical difference between glycine and aspartic acid.

Literature cited by the submitters: PubMed 7695699; PubMed 8218237; PubMed 19344236; PubMed 23720012; PubMed 27627812.